The following is an entry in ClinVar:

NM_001849.4(COL6A2):c.942C>T (p.Ala314=)

Gene: COL6A2 (collagen type VI alpha 2 chain; plus strand). Cytogenetic location: 21q22.3.
Variant type: single nucleotide variant.
Coding change: c.942C>T on transcript NM_001849.4 (MANE Select); coding-DNA position 942, C replaced by T.
Protein change: p.Ala314=; no amino-acid change (alanine 314 retained).
Molecular consequence: synonymous variant.
Genome position (GRCh38, 1-based): chr21:46,116,665, C>T. VCF-style: chr21-46116665-C-T. GRCh37 (hg19) VCF-style: chr21-47536579-C-T.
Other names: c.942C>T, p.Ala314= (NM_058174.3, NM_058175.3).
Identifiers: ClinVar variation 287716 (VCV000287716.23), dbSNP rs531713008, ClinGen allele CA10071559.

ClinVar aggregate classification (germline): Conflicting classifications of pathogenicity. Review status: criteria provided, conflicting classifications (1 of 4 stars). 3 submissions from 3 submitters: Uncertain significance (1); Likely benign (2). Last evaluated 2025-09-21.

Conditions:
Bethlem myopathy 1A. Also called: Bethlem myopathy 1; Bethlem Muscular Dystrophy; MYOPATHY, BENIGN CONGENITAL, WITH CONTRACTURES. Identifiers: Orphanet 610, MedGen CN029274, MONDO:0024530, OMIM 158810.

Allele frequency attached by ClinVar (database versions not stated): gnomAD exomes 0.00003 and 0.00010; ExAC 0.00010; 1000 Genomes Project 30x 0.00016; gnomAD 0.00016; TOPMed 0.00019; 1000 Genomes Project 0.00020.
gnomAD v4.1: 73 of 1,613,020 alleles (0.0045%); highest among the groups gnomAD compares: East Asian, 0.051%; no homozygotes.

Submissions (3):

Labcorp Genetics (formerly Invitae), Labcorp
Classification: Likely benign for Bethlem myopathy 1A. Last evaluated: 2025-09-21. Review status: criteria provided, single submitter. Criteria: Invitae Variant Classification Sherloc (09022015). Collection method: clinical testing. Allele origin: germline.

CeGaT Center for Human Genetics Tuebingen
Classification: Likely benign. Last evaluated: 2025-07-01. Review status: criteria provided, single submitter. Criteria: CeGaT Center For Human Genetics Tuebingen Variant Classification Criteria Version 2. Collection method: clinical testing. Allele origin: germline. Affected: yes. Observed: 1 variant allele.
Comment: COL6A2: BP4, BP7

Eurofins Ntd Llc (ga)
Classification: Uncertain significance. Last evaluated: 2016-04-20. Review status: criteria provided, single submitter. Criteria: EGL Classification Definitions 2015. Collection method: clinical testing. Allele origin: germline. Observed: 1 variant allele, 1 heterozygote.